The following is an entry in ClinVar:

ClinVar aggregate classification (germline): Uncertain significance (1 of 4 stars; one submission).

Submission:

GeneDx
Classification: Uncertain significance. Last evaluated: 2019-07-31. Review status: criteria provided, single submitter. Criteria: GeneDx Variant Classification Process June 2021. Collection method: clinical testing. Allele origin: germline. Affected: yes.
Comment: Not observed in large population cohorts (Lek et al., 2016); In silico analysis, which includes protein predictors and evolutionary conservation, supports a deleterious effect; In silico analysis, which includes splice predictors and evolutionary conservation, suggests this variant may impact gene splicing. In the absence of RNA/functional studies, the actual effect of this sequence change is unknown; Has not been previously published as pathogenic or benign to our knowledge

NM_006922.4(SCN3A):c.1756G>T (p.Asp586Tyr)

Gene: SCN3A (sodium voltage-gated channel alpha subunit 3; minus strand). Cytogenetic location: 2q24.3.
Variant type: single nucleotide variant.
Coding change: c.1756G>T on transcript NM_006922.4 (MANE Select); coding-DNA position 1756, G replaced by T.
Protein change: p.Asp586Tyr; replaces aspartic acid 586 with tyrosine.
Molecular consequence: missense variant.
Genome position (GRCh38, 1-based): chr2:165,140,914, C>A on the plus strand (G>T on the coding strand, the complement: SCN3A is on the minus strand). VCF-style: chr2-165140914-C-A. GRCh37 (hg19) VCF-style: chr2-165997424-C-A.
Other names: c.1756G>T, p.Asp586Tyr (NM_001081676.2, NM_001081677.2); short protein forms D586Y.
Identifiers: ClinVar variation 1302692 (VCV001302692.2), dbSNP rs2105812313, ClinGen allele CA349046937.